The following is an entry in ClinVar:

ClinVar aggregate classification (germline): Uncertain significance (1 of 4 stars; one submission).

Allele frequency attached by ClinVar (database versions not stated): gnomAD exomes below 0.00001.
gnomAD v4.1: 1 of 1,614,194 alleles (0.000062%); highest among the groups gnomAD compares: Non-Finnish European, 0.000085%; no homozygotes.

Submission:

Labcorp Genetics (formerly Invitae), Labcorp
Classification: Uncertain significance. Last evaluated: 2022-06-04. Review status: criteria provided, single submitter. Criteria: Invitae Variant Classification Sherloc (09022015). Collection method: clinical testing. Allele origin: germline.
Comment: In summary, the available evidence is currently insufficient to determine the role of this variant in disease. Therefore, it has been classified as a Variant of Uncertain Significance. Advanced modeling of protein sequence and biophysical properties (such as structural, functional, and spatial information, amino acid conservation, physicochemical variation, residue mobility, and thermodynamic stability) performed at Invitae indicates that this missense variant is not expected to disrupt KCNV2 protein function. This variant has not been reported in the literature in individuals affected with KCNV2-related conditions. This variant is not present in population databases (gnomAD no frequency). This sequence change replaces serine, which is neutral and polar, with threonine, which is neutral and polar, at codon 42 of the KCNV2 protein (p.Ser42Thr).

NM_133497.4(KCNV2):c.125G>C (p.Ser42Thr)

Gene: KCNV2 (potassium voltage-gated channel modifier subfamily V member 2; plus strand). Cytogenetic location: 9p24.2.
Variant type: single nucleotide variant.
Coding change: c.125G>C on transcript NM_133497.4 (MANE Select); coding-DNA position 125, G replaced by C.
Protein change: p.Ser42Thr; replaces serine 42 with threonine.
Molecular consequence: missense variant.
Genome position (GRCh38, 1-based): chr9:2,717,864, G>C. VCF-style: chr9-2717864-G-C. GRCh37 (hg19) VCF-style: chr9-2717864-G-C.
Other names: short protein forms S42T.
Identifiers: ClinVar variation 2061151 (VCV002061151.4), dbSNP rs2536970861, ClinGen allele CA372795755.